The following is an entry in ClinVar:

ClinVar aggregate classification (germline): Uncertain significance (1 of 4 stars; one submission).

Submission:

GeneDx
Classification: Uncertain significance. Last evaluated: 2019-07-01. Review status: criteria provided, single submitter. Criteria: GeneDx Variant Classification Process June 2021. Collection method: clinical testing. Allele origin: germline. Affected: yes.
Comment: Not observed in large population cohorts (Lek 2016); In silico analysis, which includes protein predictors and evolutionary conservation, supports that this variant does not alter protein structure/function; Has not been previously published as pathogenic or benign to our knowledge

NM_000264.5(PTCH1):c.1581G>T (p.Gln527His)

Gene: PTCH1 (patched 1; minus strand). Cytogenetic location: 9q22.32.
Variant type: single nucleotide variant.
Coding change: c.1581G>T on transcript NM_000264.5 (MANE Select); coding-DNA position 1581, G replaced by T.
Protein change: p.Gln527His; replaces glutamine 527 with histidine.
Molecular consequence: missense variant. On other transcripts: non-coding transcript variant (1).
Genome position (GRCh38, 1-based): chr9:95,476,780, C>A on the plus strand (G>T on the coding strand, the complement: PTCH1 is on the minus strand). VCF-style: chr9-95476780-C-A. GRCh37 (hg19) VCF-style: chr9-98239062-C-A.
Other names: c.1383G>T, p.Gln461His (NM_001083602.3); c.1578G>T, p.Gln526His (NM_001083603.3); c.1128G>T, p.Gln376His (NM_001083604.3, NM_001083605.3, NM_001083606.3 and 1 more transcripts); c.1425G>T, p.Gln475His (NM_001354918.2); short protein forms Q376H, Q461H, Q475H, Q526H, Q527H.
Identifiers: ClinVar variation 1306775 (VCV001306775.2), dbSNP rs2118280777, ClinGen allele CA374118191.